The following is an entry in ClinVar:

ClinVar aggregate classification (germline): Uncertain significance (1 of 4 stars; one submission).

Allele frequency attached by ClinVar (database versions not stated): gnomAD exomes below 0.00001.
gnomAD v4.1: 1 of 1,614,076 alleles (0.000062%); highest among the groups gnomAD compares: Non-Finnish European, 0.000085%; no homozygotes.

Submission:

Labcorp Genetics (formerly Invitae), Labcorp
Classification: Uncertain significance. Last evaluated: 2023-06-05. Review status: criteria provided, single submitter. Criteria: Invitae Variant Classification Sherloc (09022015). Collection method: clinical testing. Allele origin: germline.
Comment: This sequence change replaces glutamine, which is neutral and polar, with glutamic acid, which is acidic and polar, at codon 484 of the SERPING1 protein (p.Gln484Glu). This variant is not present in population databases (gnomAD no frequency). This variant has not been reported in the literature in individuals affected with SERPING1-related conditions. Advanced modeling of protein sequence and biophysical properties (such as structural, functional, and spatial information, amino acid conservation, physicochemical variation, residue mobility, and thermodynamic stability) has been performed at Invitae for this missense variant, however the output from this modeling did not meet the statistical confidence thresholds required to predict the impact of this variant on SERPING1 protein function. In summary, the available evidence is currently insufficient to determine the role of this variant in disease. Therefore, it has been classified as a Variant of Uncertain Significance.

NM_000062.3(SERPING1):c.1450C>G (p.Gln484Glu)

Gene: SERPING1 (serpin family G member 1; plus strand). Cytogenetic location: 11q12.1.
Variant type: single nucleotide variant.
Coding change: c.1450C>G on transcript NM_000062.3 (MANE Select); coding-DNA position 1450, C replaced by G.
Protein change: p.Gln484Glu; replaces glutamine 484 with glutamic acid.
Molecular consequence: missense variant.
Genome position (GRCh38, 1-based): chr11:57,614,528, C>G. VCF-style: chr11-57614528-C-G. GRCh37 (hg19) VCF-style: chr11-57382001-C-G.
Other names: c.1450C>G, p.Gln484Glu (NM_001032295.2); short protein forms Q484E.
Identifiers: ClinVar variation 2712806 (VCV002712806.3), dbSNP rs2135328243, ClinGen allele CA380690858.
Genomic context (GRCh38, chr11:57,614,528, plus strand): 5'-GTGGCCCGCACCCTGCTGGTCTTTGAAGTGCAGCAGCCCTTCCTCTTCGTGCTCTGGGAC[C>G]AGCAGCACAAGTTCCCTGTCTTCATGGGGCGAGTATATGACCCCAGGGCCTGAGACCTGC-3'
Protein context (NP_000053.2, residues 474-494): QQPFLFVLWD[Gln484Glu]QHKFPVFMGR